The following is an entry in ClinVar:

ClinVar aggregate classification (germline): Uncertain significance (1 of 4 stars; one submission).

Submission:

GeneDx
Classification: Uncertain significance. Last evaluated: 2019-07-16. Review status: criteria provided, single submitter. Criteria: GeneDx Variant Classification Process June 2021. Collection method: clinical testing. Allele origin: germline. Affected: yes.
Comment: Has not been previously published as pathogenic or benign to our knowledge; Not observed in large population cohorts (Lek et al., 2016); In silico analysis, which includes protein predictors and evolutionary conservation, supports a deleterious effect

NM_000363.5(TNNI3):c.506T>C (p.Leu169Pro)

Gene: TNNI3 (troponin I3, cardiac type; minus strand). Cytogenetic location: 19q13.42.
Variant type: single nucleotide variant.
Coding change: c.506T>C on transcript NM_000363.5 (MANE Select); coding-DNA position 506, T replaced by C.
Protein change: p.Leu169Pro; replaces leucine 169 with proline.
Molecular consequence: missense variant.
Genome position (GRCh38, 1-based): chr19:55,154,073, A>G on the plus strand (T>C on the coding strand, the complement: TNNI3 is on the minus strand). VCF-style: chr19-55154073-A-G. GRCh37 (hg19) VCF-style: chr19-55665441-A-G.
Other names: short protein forms L169P.
Identifiers: ClinVar variation 1307189 (VCV001307189.2), dbSNP rs2147283204, ClinGen allele CA407440305.